The following is an entry in ClinVar:

ClinVar aggregate classification (germline): Pathogenic/Likely pathogenic. Review status: criteria provided, multiple submitters, no conflicts (2 of 4 stars). 3 submissions from 3 submitters: Pathogenic (2); Likely pathogenic (1). Last evaluated 2023-11-04.

Conditions:
CEP250-related disorder. Also called: CEP250-related condition.
Cone-rod dystrophy and hearing loss 2 (CRDHL2). Identifiers: MedGen C5193051, MONDO:0020780, OMIM 618358.

gnomAD v4.1: 9 of 1,614,042 alleles (0.00056%); highest among the groups gnomAD compares: Admixed American, 0.0033%; no homozygotes.

Submissions (3):

Labcorp Genetics (formerly Invitae), Labcorp
Classification: Pathogenic. Last evaluated: 2023-11-04. Review status: criteria provided, single submitter. Criteria: Invitae Variant Classification Sherloc (09022015). Collection method: clinical testing. Allele origin: germline.
Comment: This sequence change creates a premature translational stop signal (p.Arg719*) in the CEP250 gene. It is expected to result in an absent or disrupted protein product. Loss-of-function variants in CEP250 are known to be pathogenic (PMID: 24780881, 29718797). The frequency data for this variant in the population databases is considered unreliable, as metrics indicate poor data quality at this position in the gnomAD database. This variant has not been reported in the literature in individuals affected with CEP250-related conditions. ClinVar contains an entry for this variant (Variation ID: 1459241). For these reasons, this variant has been classified as Pathogenic.

Blueprint Genetics
Classification: Likely pathogenic for CEP250-related disorders. Last evaluated: 2021-10-14. Review status: criteria provided, single submitter. Criteria: ACMG Guidelines, 2015. Collection method: clinical testing. Allele origin: germline. Affected: yes. Observed: 2 variant alleles.

Laboratoire de Génétique Moléculaire, CHU Bordeaux
Classification: Pathogenic for Cone-rod dystrophy and hearing loss 2. Review status: criteria provided, single submitter. Criteria: ACMG Guidelines, 2015. Collection method: clinical testing. Allele origin: germline. Affected: yes.

Literature cited by the submitters: PubMed 24780881 (cited by Labcorp Genetics (formerly Invitae), Labcorp); PubMed 29718797 (cited by Labcorp Genetics (formerly Invitae), Labcorp).

NM_007186.6(CEP250):c.2155C>T (p.Arg719Ter)

Genes: CEP250 (centrosomal protein 250; plus strand), CEP250-AS1 (CEP250 antisense RNA 1; minus strand). Cytogenetic location: 20q11.22.
Variant type: single nucleotide variant.
Coding change: c.2155C>T on transcript NM_007186.6 (MANE Select); coding-DNA position 2155, C replaced by T.
Protein change: p.Arg719Ter; replaces arginine 719 with a stop codon.
Molecular consequence: nonsense.
Genome position (GRCh38, 1-based): chr20:35,479,291, C>T. VCF-style: chr20-35479291-C-T. GRCh37 (hg19) VCF-style: chr20-34067116-C-T.
Other names: c.259C>T, p.Arg87Ter (NM_001318219.1); c.2155C>T (NM_007186.5); short protein forms R87*, R719*.
Identifiers: ClinVar variation 1459241 (VCV001459241.8), dbSNP rs1051944154, ClinGen allele CA314157217.